The following is an entry in ClinVar:

ClinVar aggregate classification (germline): Uncertain significance (1 of 4 stars; one submission).

Conditions:
Cornelia de Lange syndrome 3 (CDLS3). Also called: CORNELIA DE LANGE SYNDROME 3 WITH OR WITHOUT MIDLINE BRAIN DEFECTS; SMC3-Related Cornelia de Lange Syndrome. Identifiers: Orphanet 199, MedGen C1853099, MONDO:0012555, OMIM 610759.

Submission:

3billion
Classification: Uncertain significance for Cornelia de Lange syndrome 3. Last evaluated: 2024-06-11. Review status: criteria provided, single submitter. Criteria: ACMG Guidelines, 2015. Collection method: clinical testing. Allele origin: germline. Affected: yes.
Comment: The variant is not observed in the gnomAD v4.0.0 dataset. Predicted Consequence/Location: Missense variant In silico tool predictions suggest damaging effect of the variant on gene or gene product [REVEL: 0.89 (>=0.6, sensitivity 0.68 and specificity 0.92)]. Therefore, this variant is classified as VUS according to the recommendation of ACMG/AMP guideline.

NM_005445.4(SMC3):c.2342T>C (p.Leu781Pro)

Gene: SMC3 (structural maintenance of chromosomes 3; plus strand). Cytogenetic location: 10q25.2.
Variant type: single nucleotide variant.
Coding change: c.2342T>C on transcript NM_005445.4 (MANE Select); coding-DNA position 2342, T replaced by C.
Protein change: p.Leu781Pro; replaces leucine 781 with proline.
Molecular consequence: missense variant.
Genome position (GRCh38, 1-based): chr10:110,599,727, T>C. VCF-style: chr10-110599727-T-C. GRCh37 (hg19) VCF-style: chr10-112359485-T-C.
Other names: short protein forms L781P.
Identifiers: ClinVar variation 4293499 (VCV004293499.1).